The following is an entry in ClinVar:

NM_001184880.2(PCDH19):c.2391C>G (p.Asp797Glu)

Genes: PCDH19 (protocadherin 19; minus strand), LOC125467768 (CDK7 strongly-dependent group 2 enhancer GRCh37_chrX:99657381-99658580; plus strand). Cytogenetic location: Xq22.1.
Variant type: single nucleotide variant.
Coding change: c.2391C>G on transcript NM_001184880.2 (MANE Select); coding-DNA position 2391, C replaced by G.
Protein change: p.Asp797Glu; replaces aspartic acid 797 with glutamic acid.
Molecular consequence: missense variant.
Genome position (GRCh38, 1-based): chrX:100,402,749, G>C on the plus strand (C>G on the coding strand, the complement: PCDH19 is on the minus strand). VCF-style: chrX-100402749-G-C. GRCh37 (hg19) VCF-style: chrX-99657747-G-C.
Other names: c.2250C>G, p.Asp750Glu (NM_001105243.2, NM_020766.3); short protein forms D797E, D750E.
Identifiers: ClinVar variation 533847 (VCV000533847.10), dbSNP rs1304917337, ClinGen allele CA414005998.

ClinVar aggregate classification (germline): Uncertain significance. Review status: criteria provided, multiple submitters, no conflicts (2 of 4 stars). 2 submissions from 2 submitters: Uncertain significance (2). Last evaluated 2025-02-07.

Conditions:
Developmental and epileptic encephalopathy, 9 (DEE9). Also called: Early infantile epileptic encephalopathy 9; JUBERG-HELLMAN SYNDROME; EPILEPSY, FEMALE-RESTRICTED, WITH MENTAL RETARDATION; PCDH19-Related X-Linked Female-Limited Epilepsy with Mental Retardation. Identifiers: Orphanet 101039, Orphanet 2076, MedGen C1848137, MONDO:0010246, OMIM 300088. Disease mechanism: loss of function.

Allele frequency attached by ClinVar (database versions not stated): gnomAD exomes below 0.00001 and 0.00001; gnomAD 0.00001; TOPMed 0.00002.
gnomAD v4.1: 3 of 1,208,242 alleles (0.00025%); highest among the groups gnomAD compares: Non-Finnish European, 0.00034%; no homozygotes.

Submissions (2):

GeneDx
Classification: Uncertain significance. Last evaluated: 2025-02-07. Review status: criteria provided, single submitter. Criteria: GeneDx Variant Classification Process June 2021. Collection method: clinical testing. Allele origin: germline. Affected: yes.
Comment: Not observed at significant frequency in large population cohorts (gnomAD); In silico analysis indicates that this missense variant does not alter protein structure/function; Has not been previously published as pathogenic or benign to our knowledge

Labcorp Genetics (formerly Invitae), Labcorp
Classification: Uncertain significance for Developmental and epileptic encephalopathy, 9. Last evaluated: 2023-03-12. Review status: criteria provided, single submitter. Criteria: Invitae Variant Classification Sherloc (09022015). Collection method: clinical testing. Allele origin: germline.
Comment: In summary, the available evidence is currently insufficient to determine the role of this variant in disease. Therefore, it has been classified as a Variant of Uncertain Significance. Advanced modeling of protein sequence and biophysical properties (such as structural, functional, and spatial information, amino acid conservation, physicochemical variation, residue mobility, and thermodynamic stability) performed at Invitae indicates that this missense variant is not expected to disrupt PCDH19 protein function. ClinVar contains an entry for this variant (Variation ID: 533847). This variant has not been reported in the literature in individuals affected with PCDH19-related conditions. This variant is present in population databases (no rsID available, gnomAD 0.001%). This sequence change replaces aspartic acid, which is acidic and polar, with glutamic acid, which is acidic and polar, at codon 797 of the PCDH19 protein (p.Asp797Glu).